The following is an entry in ClinVar:

NM_000038.6(APC):c.4110A>T (p.Lys1370Asn)

Gene: APC (APC regulator of Wnt signaling pathway; plus strand). Cytogenetic location: 5q22.2.
Variant type: single nucleotide variant.
Coding change: c.4110A>T on transcript NM_000038.6 (MANE Select); coding-DNA position 4110, A replaced by T.
Protein change: p.Lys1370Asn; replaces lysine 1370 with asparagine.
Molecular consequence: missense variant.
Genome position (GRCh38, 1-based): chr5:112,839,704, A>T. VCF-style: chr5-112839704-A-T. GRCh37 (hg19) VCF-style: chr5-112175401-A-T.
Other names: c.4110A>T, p.Lys1370Asn (NM_001127510.3, NM_001354895.2); c.4056A>T, p.Lys1352Asn (NM_001127511.3); c.4164A>T, p.Lys1388Asn (NM_001354896.2); c.4140A>T, p.Lys1380Asn (NM_001354897.2); c.4035A>T, p.Lys1345Asn (NM_001354898.2); c.4026A>T, p.Lys1342Asn (NM_001354899.2); c.3987A>T, p.Lys1329Asn (NM_001354900.2); c.3933A>T, p.Lys1311Asn (NM_001354901.2); and 5 more; short protein forms K1352N, K1370N, K1087N, K1210N, K1279N, K1388N, K1244N, K1342N.
Identifiers: ClinVar variation 234127 (VCV000234127.19), dbSNP rs876660867, ClinGen allele CA10578367.

ClinVar aggregate classification (germline): Uncertain significance. Review status: criteria provided, multiple submitters, no conflicts (2 of 4 stars). 7 submissions from 7 submitters: Uncertain significance (7). Last evaluated 2025-12-21.

Conditions:
Desmoid disease, hereditary (DESMD). Also called: FIBROMATOSIS, FAMILIAL INFILTRATIVE. Identifiers: Orphanet 873, MedGen C1851124, OMIM 135290. Disease mechanism: loss of function.
Gastric cancer. Also called: Stomach cancer; Malignant tumor of stomach. Identifiers: MedGen C0024623, MeSH D013274, MONDO:0001056, OMIM 613659, HP:0012126.
Familial adenomatous polyposis 1 (FAP1). Also called: POLYPOSIS, ADENOMATOUS INTESTINAL; FAMILIAL ADENOMATOUS POLYPOSIS 1, ATTENUATED. Identifiers: MedGen C2713442, MONDO:0021056, OMIM 175100. Disease mechanism: loss of function.
Colorectal cancer. Also called: Colorectal cancer, somatic; Malignant Colorectal Neoplasm. Identifiers: MedGen C0346629, MONDO:0005575, OMIM 114500.
Hereditary cancer-predisposing syndrome. Also called: Neoplastic Syndromes, Hereditary; Hereditary neoplastic syndrome; Hereditary Cancer Syndrome; Tumor predisposition. Identifiers: Orphanet 140162, MedGen C0027672, MeSH D009386, MONDO:0015356.
Classic or attenuated familial adenomatous polyposis. Identifiers: MedGen CN372698, MONDO:0021057.

Allele frequency attached by ClinVar (database versions not stated): gnomAD exomes below 0.00001.
gnomAD v4.1: 5 of 1,614,106 alleles (0.00031%); highest among the groups gnomAD compares: Non-Finnish European, 0.000085%; no homozygotes.

Submissions (7):

Labcorp Genetics (formerly Invitae), Labcorp
Classification: Uncertain significance for Familial adenomatous polyposis 1. Last evaluated: 2025-12-21. Review status: criteria provided, single submitter. Criteria: Invitae Variant Classification Sherloc (09022015). Collection method: clinical testing. Allele origin: germline.
Comment: This sequence change replaces lysine, which is basic and polar, with asparagine, which is neutral and polar, at codon 1370 of the APC protein (p.Lys1370Asn). This variant is not present in population databases (gnomAD no frequency). This variant has not been reported in the literature in individuals affected with APC-related conditions. ClinVar contains an entry for this variant (Variation ID: 234127). Invitae Evidence Modeling of protein sequence and biophysical properties (such as structural, functional, and spatial information, amino acid conservation, physicochemical variation, residue mobility, and thermodynamic stability) indicates that this missense variant is not expected to disrupt APC protein function with a negative predictive value of 95%. In summary, the available evidence is currently insufficient to determine the role of this variant in disease. Therefore, it has been classified as a Variant of Uncertain Significance.

Ambry Genetics
Classification: Uncertain significance for Hereditary cancer-predisposing syndrome. Last evaluated: 2025-05-01. Review status: criteria provided, single submitter. Criteria: Ambry Variant Classification Scheme 2023. Collection method: clinical testing. Allele origin: germline.
Comment: The p.K1370N variant (also known as c.4110A>T), located in coding exon 15 of the APC gene, results from an A to T substitution at nucleotide position 4110. The lysine at codon 1370 is replaced by asparagine, an amino acid with similar properties. This amino acid position is highly conserved in available vertebrate species. In addition, in silico predictors for this gene do not accurately predict pathogenicity. Since supporting evidence is limited at this time, the clinical significance of this alteration remains unclear.

Color Diagnostics, LLC DBA Color Health
Classification: Uncertain significance for Hereditary cancer-predisposing syndrome. Last evaluated: 2024-03-06. Review status: criteria provided, single submitter. Criteria: ACMG Guidelines, 2015. Collection method: clinical testing. Allele origin: germline.
Comment: This missense variant replaces lysine with asparagine at codon 1370 of the APC protein. Computational prediction suggests that this variant may not impact protein structure and function (internally defined REVEL score threshold <= 0.5, PMID: 27666373). To our knowledge, functional studies have not been reported for this variant. This variant has not been reported in individuals affected with APC-related disorders in the literature. This variant has not been identified in the general population by the Genome Aggregation Database (gnomAD). The available evidence is insufficient to determine the role of this variant in disease conclusively. Therefore, this variant is classified as a Variant of Uncertain Significance.

All of Us Research Program, National Institutes of Health
Classification: Uncertain significance for Classic or attenuated familial adenomatous polyposis. Last evaluated: 2023-10-06. Review status: criteria provided, single submitter. Criteria: ACMG Guidelines, 2015. Collection method: clinical testing. Allele origin: germline. Inheritance: Autosomal dominant inheritance. Observed: 1 variant allele, 1 heterozygote.
Comment: This missense variant replaces lysine with asparagine at codon 1370 of the APC protein. Computational prediction suggests that this variant may not impact protein structure and function (internally defined REVEL score threshold <= 0.5, PMID: 27666373). To our knowledge, functional studies have not been reported for this variant. This variant has not been reported in individuals affected with APC-related disorders in the literature. This variant has not been identified in the general population by the Genome Aggregation Database (gnomAD). The available evidence is insufficient to determine the role of this variant in disease conclusively. Therefore, this variant is classified as a Variant of Uncertain Significance.

This study involves interpretation of variants in research participants for the purpose of population health screening. Participant phenotype was not available at the time of variant classification. Additional details can be found in publication PMID: 35346344, PMCID: PMC8962531

Women's Health and Genetics/Laboratory Corporation of America, LabCorp
Classification: Uncertain significance. Last evaluated: 2022-09-16. Review status: criteria provided, single submitter. Criteria: LabCorp Variant Classification Summary - May 2015. Collection method: clinical testing. Allele origin: germline.

Department of Pathology and Laboratory Medicine, Sinai Health System
Classification: Uncertain significance for Colorectal cancer; Familial adenomatous polyposis 1; Desmoid disease, hereditary; Gastric cancer. Last evaluated: 2022-06-15. Review status: criteria provided, single submitter. Criteria: ACMG Guidelines, 2015. Collection method: clinical testing. Allele origin: germline. Affected: yes.

GeneDx
Classification: Uncertain significance. Last evaluated: 2019-04-16. Review status: criteria provided, single submitter. Criteria: GeneDx Variant Classification Process June 2021. Collection method: clinical testing. Allele origin: germline. Affected: yes.
Comment: Not observed in large population cohorts (Lek et al., 2016); Has not been previously published as pathogenic or benign to our knowledge